The following is an entry in ClinVar:

NM_000061.3(BTK):c.917T>C (p.Val306Ala)

Gene: BTK (Bruton tyrosine kinase; minus strand). Cytogenetic location: Xq22.1.
Variant type: single nucleotide variant.
Coding change: c.917T>C on transcript NM_000061.3 (MANE Select); coding-DNA position 917, T replaced by C.
Protein change: p.Val306Ala; replaces valine 306 with alanine.
Molecular consequence: missense variant.
Genome position (GRCh38, 1-based): chrX:101,358,674, A>G on the plus strand (T>C on the coding strand, the complement: BTK is on the minus strand). VCF-style: chrX-101358674-A-G. GRCh37 (hg19) VCF-style: chrX-100613662-A-G.
Other names: c.1019T>C, p.Val340Ala (NM_001287344.2); c.917T>C, p.Val306Ala (NM_001287345.2); short protein forms V306A, V340A.
Identifiers: ClinVar variation 1957581 (VCV001957581.5), dbSNP rs2520574044, ClinGen allele CA413929208.

ClinVar aggregate classification (germline): Uncertain significance (1 of 4 stars; one submission).

Conditions:
X-linked agammaglobulinemia with growth hormone deficiency (IGHD3). Also called: ISOLATED GROWTH HORMONE DEFICIENCY, TYPE III, WITH AGAMMAGLOBULINEMIA; AGAMMAGLOBULINEMIA AND ISOLATED GROWTH HORMONE DEFICIENCY, X-LINKED; FLEISHER SYNDROME; HYPOGAMMAGLOBULINEMIA AND ISOLATED GROWTH HORMONE DEFICIENCY, X-LINKED; IGHD III; Isolated growth hormone deficiency type 3. Identifiers: Orphanet 231692, Orphanet 631, MedGen C0472813, MONDO:0010615, OMIM 307200.

Submission:

Labcorp Genetics (formerly Invitae), Labcorp
Classification: Uncertain significance for X-linked agammaglobulinemia with growth hormone deficiency. Last evaluated: 2021-12-02. Review status: criteria provided, single submitter. Criteria: Invitae Variant Classification Sherloc (09022015). Collection method: clinical testing. Allele origin: germline.
Comment: Advanced modeling of protein sequence and biophysical properties (such as structural, functional, and spatial information, amino acid conservation, physicochemical variation, residue mobility, and thermodynamic stability) performed at Invitae indicates that this missense variant is expected to disrupt BTK protein function. This sequence change replaces valine, which is neutral and non-polar, with alanine, which is neutral and non-polar, at codon 306 of the BTK protein (p.Val306Ala). This variant is not present in population databases (gnomAD no frequency). This variant has not been reported in the literature in individuals affected with BTK-related conditions. In summary, the available evidence is currently insufficient to determine the role of this variant in disease. Therefore, it has been classified as a Variant of Uncertain Significance.